The following is an entry in ClinVar:

ClinVar aggregate classification (germline): Uncertain significance (1 of 4 stars; one submission).

Submission:

Labcorp Genetics (formerly Invitae), Labcorp
Classification: Uncertain significance. Last evaluated: 2021-01-29. Review status: criteria provided, single submitter. Criteria: Invitae Variant Classification Sherloc (09022015). Collection method: clinical testing. Allele origin: germline.
Comment: This sequence change replaces alanine with aspartic acid at codon 5354 of the ADGRV1 protein (p.Ala5354Asp). The alanine residue is highly conserved and there is a moderate physicochemical difference between alanine and aspartic acid. This variant is present in population databases (rs547343648, ExAC 0.01%). This variant has not been reported in the literature in individuals with ADGRV1-related conditions. Algorithms developed to predict the effect of missense changes on protein structure and function are either unavailable or do not agree on the potential impact of this missense change (SIFT: "Deleterious"; PolyPhen-2: "Benign"; Align-GVGD: "Class C25"). In summary, the available evidence is currently insufficient to determine the role of this variant in disease. Therefore, it has been classified as a Variant of Uncertain Significance.

NM_032119.4(ADGRV1):c.16061C>A (p.Ala5354Asp)

Gene: ADGRV1 (adhesion G protein-coupled receptor V1; plus strand). Cytogenetic location: 5q14.3.
Variant type: single nucleotide variant.
Coding change: c.16061C>A on transcript NM_032119.4 (MANE Select); coding-DNA position 16061, C replaced by A.
Protein change: p.Ala5354Asp; replaces alanine 5354 with aspartic acid.
Molecular consequence: missense variant. On other transcripts: non-coding transcript variant (1).
Genome position (GRCh38, 1-based): chr5:90,811,321, C>A. VCF-style: chr5-90811321-C-A. GRCh37 (hg19) VCF-style: chr5-90107138-C-A.
Other names: short protein forms A5354D.
Identifiers: ClinVar variation 1427338 (VCV001427338.8), dbSNP rs547343648, ClinGen allele CA3342030.
Genomic context (GRCh38, chr5:90,811,321, plus strand): 5'-ACCCTCAAGGGGGAGCACAGATTGTGGAGGAGAAGGATGATACTGGATTTGCAGCTTTTG[C>A]CATGGTTATTATTACAGGTATATCTTTGAAATGATGGAGATAAAAATATACTTTTATGGT-3'
Protein context (NP_115495.3, residues 5344-5364): EKDDTGFAAF[Ala5354Asp]MVIITGSDLH